The following is an entry in ClinVar:

NM_198578.4(LRRK2):c.5351T>C (p.Ile1784Thr)

Gene: LRRK2 (leucine rich repeat kinase 2; plus strand). Cytogenetic location: 12q12.
Variant type: single nucleotide variant.
Coding change: c.5351T>C on transcript NM_198578.4 (MANE Select); coding-DNA position 5351, T replaced by C.
Protein change: p.Ile1784Thr; replaces isoleucine 1784 with threonine.
Molecular consequence: missense variant.
Genome position (GRCh38, 1-based): chr12:40,322,352, T>C. VCF-style: chr12-40322352-T-C. GRCh37 (hg19) VCF-style: chr12-40716154-T-C.
Other names: short protein forms I1784T.
Identifiers: ClinVar variation 2624900 (VCV002624900.2), dbSNP rs1336508001, ClinGen allele CA384420567.

ClinVar aggregate classification (germline): Uncertain significance (1 of 4 stars; one submission).

Conditions:
Inborn genetic diseases. Identifiers: MedGen C0950123, MeSH D030342.

Allele frequency attached by ClinVar (database versions not stated): gnomAD exomes below 0.00001.
gnomAD v4.1: 1 of 1,613,706 alleles (0.000062%); highest among the groups gnomAD compares: East Asian, 0.0022%; no homozygotes.

Submission:

Ambry Genetics
Classification: Uncertain significance for Inborn genetic diseases. Last evaluated: 2023-07-05. Review status: criteria provided, single submitter. Criteria: Ambry Variant Classification Scheme 2023. Collection method: clinical testing. Allele origin: germline.
Comment: The p.I1784T variant (also known as c.5351T>C), located in coding exon 37 of the LRRK2 gene, results from a T to C substitution at nucleotide position 5351. The isoleucine at codon 1784 is replaced by threonine, an amino acid with similar properties. This amino acid position is conserved. In addition, this alteration is predicted to be deleterious by in silico analysis. Since supporting evidence is limited at this time, the clinical significance of this alteration remains unclear.